The following is an entry in ClinVar:

ClinVar aggregate classification (germline): Uncertain significance (1 of 4 stars; one submission).

Conditions:
Ichthyosis, congenital, autosomal recessive 12 (ARCI12). Identifiers: MedGen C4310621, MONDO:0015018, OMIM 617320.

Allele frequency attached by ClinVar (database versions not stated): ExAC 0.00006; gnomAD exomes 0.00006; TOPMed 0.00007; ESP Exome Variant Server 0.00015.
gnomAD v4.1: 33 of 1,613,994 alleles (0.002%); highest among the groups gnomAD compares: African/African-American, 0.019%; no homozygotes.

Submission:

Baylor Genetics
Classification: Uncertain significance for Ichthyosis, congenital, autosomal recessive 12. Last evaluated: 2019-02-18. Review status: criteria provided, single submitter. Criteria: ACMG Guidelines, 2015. Collection method: clinical testing. Allele origin: maternal. Affected: yes.
Comment: This variant was determined to be of uncertain significance according to ACMG Guidelines, 2015 [PMID:25741868].

NM_012114.3(CASP14):c.328G>A (p.Glu110Lys)

Gene: CASP14 (caspase 14; plus strand). Cytogenetic location: 19p13.12.
Variant type: single nucleotide variant.
Coding change: c.328G>A on transcript NM_012114.3 (MANE Select); coding-DNA position 328, G replaced by A.
Protein change: p.Glu110Lys; replaces glutamic acid 110 with lysine.
Molecular consequence: missense variant.
Genome position (GRCh38, 1-based): chr19:15,053,883, G>A. VCF-style: chr19-15053883-G-A. GRCh37 (hg19) VCF-style: chr19-15164694-G-A.
Other names: short protein forms E110K.
Identifiers: ClinVar variation 1027761 (VCV001027761.1), dbSNP rs140739098, ClinGen allele CA9260689.
Genomic context (GRCh38, chr19:15,053,883, plus strand): 5'-GGGAGGGAAGGCTTCCTCAAGGGAGAAGATGGGGAGATGGTCAAGCTGGAGAATCTCTTC[G>A]AGGCCCTGAACAACAAGAACTGCCAGGCCCTGCGAGCTAAGCCCAAGGTGTACATCATAC-3'
Protein context (NP_036246.1, residues 100-120): GEMVKLENLF[Glu110Lys]ALNNKNCQAL